The following is an entry in ClinVar:

NM_000448.3(RAG1):c.1630C>A (p.Leu544Ile)

Gene: RAG1 (recombination activating 1; plus strand). Cytogenetic location: 11p12.
Variant type: single nucleotide variant.
Coding change: c.1630C>A on transcript NM_000448.3 (MANE Select); coding-DNA position 1630, C replaced by A.
Protein change: p.Leu544Ile; replaces leucine 544 with isoleucine.
Molecular consequence: missense variant.
Genome position (GRCh38, 1-based): chr11:36,574,934, C>A. VCF-style: chr11-36574934-C-A. GRCh37 (hg19) VCF-style: chr11-36596484-C-A.
Other names: c.1630C>A, p.Leu544Ile (NM_001377277.1, NM_001377278.1, NM_001377279.1 and 1 more transcripts); short protein forms L544I.
Identifiers: ClinVar variation 955809 (VCV000955809.2), dbSNP rs773829381, ClinGen allele CA5950162.

ClinVar aggregate classification (germline): Uncertain significance. Review status: criteria provided, multiple submitters, no conflicts (2 of 4 stars). 2 submissions from 2 submitters: Uncertain significance (2). Last evaluated 2024-01-11.

Conditions:
Combined immunodeficiency with skin granulomas. Identifiers: Orphanet 157949, MedGen C2673536, MONDO:0009306, OMIM 233650.
Severe combined immunodeficiency, autosomal recessive, T cell-negative, B cell-negative, NK cell-positive. Also called: SCID, T CELL-NEGATIVE, B CELL-NEGATIVE, NK CELL-POSITIVE; Severe combined immunodeficiency due to complete RAG1/2 deficiency; SCID, AR, T-cell negative, B-cell negative, NK cell-positive. Identifiers: Orphanet 331206, MedGen C1832322, MONDO:0011086, OMIM 601457.

Allele frequency attached by ClinVar (database versions not stated): gnomAD exomes 0.00001 and 0.00003; ExAC 0.00003; 1000 Genomes Project 30x 0.00031.
gnomAD v4.1: 12 of 1,614,192 alleles (0.00074%); highest among the groups gnomAD compares: South Asian, 0.012%; no homozygotes.

Submissions (2):

GeneDx
Classification: Uncertain significance. Last evaluated: 2024-01-11. Review status: criteria provided, single submitter. Criteria: GeneDx Variant Classification Process June 2021. Collection method: clinical testing. Allele origin: germline. Affected: yes.
Comment: In silico analysis supports that this missense variant does not alter protein structure/function; Has not been previously published as pathogenic or benign to our knowledge; This variant is associated with the following publications: (PMID: 27825771, 24290284, 26996199)

Labcorp Genetics (formerly Invitae), Labcorp
Classification: Uncertain significance for Combined cellular and humoral immune defects with granulomas; Severe combined immunodeficiency, autosomal recessive, T cell-negative, B cell-negative, NK cell-positive. Last evaluated: 2019-07-18. Review status: criteria provided, single submitter. Criteria: Invitae Variant Classification Sherloc (09022015). Collection method: clinical testing. Allele origin: germline.
Comment: This sequence change replaces leucine with isoleucine at codon 544 of the RAG1 protein (p.Leu544Ile). The leucine residue is moderately conserved and there is a small physicochemical difference between leucine and isoleucine. This variant is present in population databases (rs773829381, ExAC 0.02%). This variant has not been reported in the literature in individuals with RAG1-related conditions. Algorithms developed to predict the effect of missense changes on protein structure and function are either unavailable or do not agree on the potential impact of this missense change (SIFT: "Tolerated"; PolyPhen-2: "Probably Damaging"; Align-GVGD: "Class C0"). In summary, the available evidence is currently insufficient to determine the role of this variant in disease. Therefore, it has been classified as a Variant of Uncertain Significance.